The following is an entry in ClinVar:

ClinVar aggregate classification (germline): Pathogenic (1 of 4 stars; one submission).

Conditions:
Hypokalemic periodic paralysis, type 1. Also called: Hypokalemic Periodic Paralysis Type 1 (AD); HypoPP. Identifiers: Orphanet 681, MedGen C3714580, MONDO:0042979, OMIM 170400.
Malignant hyperthermia, susceptibility to, 5 (MHS5). Also called: CACNA1S-Related Malignant Hyperthermia Susceptibility. Identifiers: Orphanet 423, MedGen C1866077, MONDO:0011163, OMIM 601887.

Submission:

Labcorp Genetics (formerly Invitae), Labcorp
Classification: Pathogenic for Hypokalemic periodic paralysis, type 1; Malignant hyperthermia, susceptibility to, 5. Last evaluated: 2018-10-31. Review status: criteria provided, single submitter. Criteria: Invitae Variant Classification Sherloc (09022015). Collection method: clinical testing. Allele origin: germline.
Comment: For these reasons, this variant has been classified as Pathogenic. Loss-of-function variants in CACNA1S are known to be pathogenic (PMID: 26247046, 28012042). This variant has not been reported in the literature in individuals with CACNA1S-related disease. This variant is not present in population databases (ExAC no frequency). This sequence change creates a premature translational stop signal (p.Ser1342*) in the CACNA1S gene. It is expected to result in an absent or disrupted protein product.

Literature cited by the submitters: PubMed 26247046; PubMed 28012042.

NM_000069.3(CACNA1S):c.4025C>A (p.Ser1342Ter)

Gene: CACNA1S (calcium voltage-gated channel subunit alpha1 S; minus strand). Cytogenetic location: 1q32.1.
Variant type: single nucleotide variant.
Coding change: c.4025C>A on transcript NM_000069.3 (MANE Select); coding-DNA position 4025, C replaced by A.
Protein change: p.Ser1342Ter; replaces serine 1342 with a stop codon.
Molecular consequence: nonsense.
Genome position (GRCh38, 1-based): chr1:201,051,072, G>T on the plus strand (C>A on the coding strand, the complement: CACNA1S is on the minus strand). VCF-style: chr1-201051072-G-T. GRCh37 (hg19) VCF-style: chr1-201020200-G-T.
Other names: short protein forms S1342*.
Identifiers: ClinVar variation 641633 (VCV000641633.7), dbSNP rs563795648, ClinGen allele CA344150419.
Genomic context (GRCh38, chr1:201,051,072, plus strand): 5'-ATGAAGTAGTAGTATGCAAAGTTGGTGCCACATGTGTACTCCTCCCCTGGGGCATAGTCC[G>T]ACTCTGGGTCACACAGCTTCCCATAGCTGCAGGCCAGTAGGATCTCCTGCCAGGCCTCAC-3'